The following is an entry in ClinVar:

ClinVar aggregate classification (germline): Likely pathogenic (1 of 4 stars; one submission).

Conditions:
Mitochondrial DNA depletion syndrome. Also called: mitochondrial DNA depletion. Identifiers: Orphanet 35698, MedGen C0342782, MONDO:0018158.

Submission:

Women's Health and Genetics/Laboratory Corporation of America, LabCorp
Classification: Likely pathogenic for Mitochondrial DNA depletion syndrome. Last evaluated: 2024-03-13. Review status: criteria provided, single submitter. Criteria: LabCorp Variant Classification Summary - May 2015. Collection method: clinical testing. Allele origin: germline.
Comment: Variant summary: POLG c.1760_1765delinsTGGGCA (p.Pro587_Pro589delinsLeuGlyThr) results in an in-frame deletion-insertion that is predicted to cause changes in two amino acids within the encoded protein. It is part of a multinucleotide combination of 89868870-G-A (c. 1760C>T, p.Pro587Leu) and 89868865-G-T (c.1765C>A, p.Pro589Thr). The variant allele was found at a frequency of 8e-06 in 250060 control chromosomes (gnomAD). The available data on variant occurrences in the general population are insufficient to allow any conclusion about variant significance. c.1760_1765delinsTGGGCA has been reported in the literature in an individuals affected with Mitochondrial DNA Depletion Syndrome - POLG Related (Uusimaa_POLG_Epilepsia_2013). Additionally, p.Pro587Leu has been reported in multiple individuals affected with POLG-related disorders and experimental evidence has found that this missense change results in impaired protein function (e.g. DeBalsi_2017). These findings suggest that the c.1760_1765delinsTGGGCA variant is likely associated with disease, although to our knowledge, no experimental evidence assessing the impact of the combination of both p.Pro587Leu and p.Pro589Thr on protein function has been reported. The following publications have been ascertained in the context of this evaluation (PMID: 23448099, 28154168). No submitters have cited clinical-significance assessments for this variant to ClinVar. Based on the evidence outlined above, the variant was classified as likely pathogenic.

Literature cited by the submitters: PubMed 28154168; PubMed 23448099.

NM_002693.3(POLG):c.1760_1765delinsTGGGCA (p.Pro587_Pro589delinsLeuGlyThr)

Gene: POLG (DNA polymerase gamma, catalytic subunit; minus strand). Cytogenetic location: 15q26.1.
Variant type: Indel.
Coding change: c.1760_1765delinsTGGGCA on transcript NM_002693.3 (MANE Select); coding-DNA positions 1760 to 1765, CGGGCC replaced by TGGGCA.
Protein change: p.Pro587_Pro589delinsLeuGlyThr.
Molecular consequence: missense variant.
Genome position (GRCh38, 1-based): chr15:89,325,634-89,325,639, GGCCCG replaced by TGCCCA on the plus strand (CGGGCC replaced by TGGGCA on the coding strand, the reverse complement: POLG is on the minus strand). VCF-style: chr15-89325634-GGCCCG-TGCCCA. GRCh37 (hg19) VCF-style: chr15-89868865-GGCCCG-TGCCCA.
Other names: c.1760_1765delinsTGGGCA, p.Pro587_Pro589delinsLeuGlyThr (NM_001126131.2).
Identifiers: ClinVar variation 3233457 (VCV003233457.2), dbSNP rs2509249174, ClinGen allele CA2695221086.